The following is an entry in ClinVar:

NM_001283009.2(RTEL1):c.2992+4A>C

Genes: RTEL1 (regulator of telomere elongation helicase 1; plus strand), RTEL1-TNFRSF6B (RTEL1-TNFRSF6B readthrough (NMD candidate); plus strand). Cytogenetic location: 20q13.33.
Variant type: single nucleotide variant.
Coding change: c.2992+4A>C on transcript NM_001283009.2 (MANE Select); 4 bases into the intron after coding-DNA position 2992, A replaced by C.
Molecular consequence: intron variant.
Genome position (GRCh38, 1-based): chr20:63,693,287, A>C. VCF-style: chr20-63693287-A-C. GRCh37 (hg19) VCF-style: chr20-62324640-A-C.
Other names: c.2992+4A>C (NM_016434.4); c.2323+4A>C (NM_001283010.1); c.3064+4A>C (NM_032957.5).
Identifiers: ClinVar variation 2418496 (VCV002418496.10), dbSNP rs766018954, ClinGen allele CA9965695.

ClinVar aggregate classification (germline): Uncertain significance (1 of 4 stars; one submission).

Conditions:
Dyskeratosis congenita, autosomal recessive 5 (DKCB5). Identifiers: MedGen C3554656, MONDO:0014076, OMIM 615190.
Pulmonary fibrosis and/or bone marrow failure, Telomere-related, 3. Also called: PULMONARY FIBROSIS AND/OR BONE MARROW FAILURE SYNDROME, TELOMERE-RELATED, 3. Identifiers: Orphanet 2032, MedGen C4225346, MONDO:0014613, OMIM 616373.

Allele frequency attached by ClinVar (database versions not stated): ExAC 0.00001.
gnomAD v4.1: 1 of 1,611,454 alleles (0.000062%); highest among the groups gnomAD compares: Non-Finnish European, 0.000085%; no homozygotes.

Submission:

Labcorp Genetics (formerly Invitae), Labcorp
Classification: Uncertain significance for Dyskeratosis congenita, autosomal recessive 5; Pulmonary fibrosis and/or bone marrow failure, Telomere-related, 3. Last evaluated: 2024-06-08. Review status: criteria provided, single submitter. Criteria: Invitae Variant Classification Sherloc (09022015). Collection method: clinical testing. Allele origin: germline.
Comment: This sequence change falls in intron 30 of the RTEL1 gene. It does not directly change the encoded amino acid sequence of the RTEL1 protein. It affects a nucleotide within the consensus splice site. This variant is present in population databases (rs766018954, gnomAD 0.0009%). This variant has not been reported in the literature in individuals affected with RTEL1-related conditions. ClinVar contains an entry for this variant (Variation ID: 2418496). Variants that disrupt the consensus splice site are a relatively common cause of aberrant splicing (PMID: 17576681, 9536098). Algorithms developed to predict the effect of sequence changes on RNA splicing suggest that this variant may disrupt the consensus splice site. In summary, the available evidence is currently insufficient to determine the role of this variant in disease. Therefore, it has been classified as a Variant of Uncertain Significance.

Literature cited by the submitters: PubMed 17576681; PubMed 9536098.